The following is an entry in ClinVar:

NM_000093.5(COL5A1):c.385G>A (p.Gly129Arg)

Gene: COL5A1 (collagen type V alpha 1 chain; plus strand). Cytogenetic location: 9q34.3.
Variant type: single nucleotide variant.
Coding change: c.385G>A on transcript NM_000093.5 (MANE Select); coding-DNA position 385, G replaced by A.
Protein change: p.Gly129Arg; replaces glycine 129 with arginine.
Molecular consequence: missense variant.
Genome position (GRCh38, 1-based): chr9:134,700,016, G>A. VCF-style: chr9-134700016-G-A. GRCh37 (hg19) VCF-style: chr9-137591862-G-A.
Other names: c.385G>A, p.Gly129Arg (NM_001278074.1); short protein forms G129R.
Identifiers: ClinVar variation 1439657 (VCV001439657.6), dbSNP rs2132569874, ClinGen allele CA375442894.

ClinVar aggregate classification (germline): Uncertain significance (1 of 4 stars; one submission).

Conditions:
Ehlers-Danlos syndrome, classic type, 1 (EDSCL1). Also called: EHLERS-DANLOS SYNDROME, GRAVIS TYPE; EHLERS-DANLOS SYNDROME, SEVERE CLASSIC TYPE; Ehlers-Danlos syndrome, type 1; Ehlers-Danlos Syndrome, Classic Type, COL5A1-Related; EDS I. Identifiers: MedGen C0268335, MONDO:0019567, OMIM 130000.

Submission:

Labcorp Genetics (formerly Invitae), Labcorp
Classification: Uncertain significance for Ehlers-Danlos syndrome, classic type, 1. Last evaluated: 2022-07-31. Review status: criteria provided, single submitter. Criteria: Invitae Variant Classification Sherloc (09022015). Collection method: clinical testing. Allele origin: germline.
Comment: In summary, the available evidence is currently insufficient to determine the role of this variant in disease. Therefore, it has been classified as a Variant of Uncertain Significance. Algorithms developed to predict the effect of missense changes on protein structure and function are either unavailable or do not agree on the potential impact of this missense change (SIFT: "Deleterious"; PolyPhen-2: "Probably Damaging"; Align-GVGD: "Class C0"). ClinVar contains an entry for this variant (Variation ID: 1439657). This variant has not been reported in the literature in individuals affected with COL5A1-related conditions. This variant is not present in population databases (gnomAD no frequency). This sequence change replaces glycine, which is neutral and non-polar, with arginine, which is basic and polar, at codon 129 of the COL5A1 protein (p.Gly129Arg).